The following is an entry in ClinVar:

NM_001386140.1(MTTP):c.1662C>A (p.Tyr554Ter)

Gene: MTTP (microsomal triglyceride transfer protein; plus strand). Cytogenetic location: 4q23.
Variant type: single nucleotide variant.
Coding change: c.1662C>A on transcript NM_001386140.1 (MANE Select); coding-DNA position 1662, C replaced by A.
Protein change: p.Tyr554Ter; replaces tyrosine 554 with a stop codon.
Molecular consequence: nonsense.
Genome position (GRCh38, 1-based): chr4:99,608,870, C>A. VCF-style: chr4-99608870-C-A. GRCh37 (hg19) VCF-style: chr4-100530027-C-A.
Other names: c.1662C>A, p.Tyr554Ter (NM_000253.4); c.1413C>A, p.Tyr471Ter (NM_001300785.2); short protein forms Y471*, Y554*.
Identifiers: ClinVar variation 2812397 (VCV002812397.3), dbSNP rs1383256536, ClinGen allele CA357512781.

ClinVar aggregate classification (germline): Pathogenic (1 of 4 stars; one submission).

Submission:

Labcorp Genetics (formerly Invitae), Labcorp
Classification: Pathogenic. Last evaluated: 2022-11-06. Review status: criteria provided, single submitter. Criteria: Invitae Variant Classification Sherloc (09022015). Collection method: clinical testing. Allele origin: germline.
Comment: This sequence change creates a premature translational stop signal (p.Tyr554*) in the MTTP gene. It is expected to result in an absent or disrupted protein product. Loss-of-function variants in MTTP are known to be pathogenic (PMID: 8533758, 9671739). This variant is not present in population databases (gnomAD no frequency). This variant has not been reported in the literature in individuals affected with MTTP-related conditions. For these reasons, this variant has been classified as Pathogenic.

Literature cited by the submitters: PubMed 8533758; PubMed 9671739.